The following is an entry in ClinVar:

NM_152713.5(STT3A):c.1310G>A (p.Arg437His)

Gene: STT3A (STT3 oligosaccharyltransferase complex catalytic subunit A; plus strand). Cytogenetic location: 11q24.2.
Variant type: single nucleotide variant.
Coding change: c.1310G>A on transcript NM_152713.5 (MANE Select); coding-DNA position 1310, G replaced by A.
Protein change: p.Arg437His; replaces arginine 437 with histidine.
Molecular consequence: missense variant.
Genome position (GRCh38, 1-based): chr11:125,612,692, G>A. VCF-style: chr11-125612692-G-A. GRCh37 (hg19) VCF-style: chr11-125482587-G-A.
Other names: c.1310G>A, p.Arg437His (NM_001278503.2); c.1034G>A, p.Arg345His (NM_001278504.2); short protein forms R345H, R437H.
Identifiers: ClinVar variation 1299225 (VCV001299225.3), dbSNP rs776079118, ClinGen allele CA6349040.

ClinVar aggregate classification (germline): Uncertain significance. Review status: criteria provided, multiple submitters, no conflicts (2 of 4 stars). 2 submissions from 2 submitters: Uncertain significance (2). Last evaluated 2024-12-31.

Conditions:
STT3A-congenital disorder of glycosylation. Also called: Congenital disorder of glycosylation type 1w; CONGENITAL DISORDER OF GLYCOSYLATION, TYPE Iw, AUTOSOMAL RECESSIVE; STT3A-CDG. Identifiers: Orphanet 370921, MedGen C5561935, MONDO:0014270, OMIM 615596.

Allele frequency attached by ClinVar (database versions not stated): ExAC 0.00003; gnomAD 0.00002; gnomAD exomes 0.00004; TOPMed 0.00004.
gnomAD v4.1: 22 of 1,614,050 alleles (0.0014%); highest among the groups gnomAD compares: Admixed American, 0.0067%; no homozygotes.

Submissions (2):

Labcorp Genetics (formerly Invitae), Labcorp
Classification: Uncertain significance. Last evaluated: 2024-12-31. Review status: criteria provided, single submitter. Criteria: Invitae Variant Classification Sherloc (09022015). Collection method: clinical testing. Allele origin: germline.
Comment: This sequence change replaces arginine, which is basic and polar, with histidine, which is basic and polar, at codon 437 of the STT3A protein (p.Arg437His). This variant is present in population databases (rs776079118, gnomAD 0.01%). This missense change has been observed in individual(s) with a neurodevelopmental disorder (PMID: 33057194, 35982159). ClinVar contains an entry for this variant (Variation ID: 1299225). An algorithm developed to predict the effect of missense changes on protein structure and function (PolyPhen-2) suggests that this variant is likely to be disruptive. In summary, the available evidence is currently insufficient to determine the role of this variant in disease. Therefore, it has been classified as a Variant of Uncertain Significance.

Breda Genetics srl
Classification: Uncertain significance for STT3A-congenital disorder of glycosylation. Last evaluated: 2021-02-03. Review status: criteria provided, single submitter. Criteria: ACMG Guidelines, 2015. Collection method: clinical testing. Allele origin: germline. Inheritance: Autosomal recessive inheritance. Affected: yes. Observed: 1 variant allele, 1 heterozygote.
Comment: Based on allele frequency, in-silico prediction scores and a certain overlap with the clinical phenotype, we interpreted this variant at least as of uncertain significance. The lack of one or more of the following features has discouraged further investigations: lack of a possible second hit in autosomal recessive conditions, presence of healthy controls in databases for autosomal dominant conditions, presence of unmatching cardinal clinical features in the patient or in the known gene-disease association, and/or variant type outside the known gene mutational spectrum.

Literature cited by the submitters: PubMed 33057194 (cited by Labcorp Genetics (formerly Invitae), Labcorp); PubMed 35982159 (cited by Labcorp Genetics (formerly Invitae), Labcorp).